The following is an entry in ClinVar:

ClinVar aggregate classification (germline): Uncertain significance (1 of 4 stars; one submission).

Conditions:
Cardiovascular phenotype. Identifiers: MedGen CN230736.

Submission:

Ambry Genetics
Classification: Uncertain significance for Cardiovascular phenotype. Last evaluated: 2022-07-23. Review status: criteria provided, single submitter. Criteria: Ambry Variant Classification Scheme 2023. Collection method: clinical testing. Allele origin: germline.
Comment: The p.H307R variant (also known as c.920A>G), located in coding exon 1 of the ZNF469 gene, results from an A to G substitution at nucleotide position 920. The histidine at codon 307 is replaced by arginine, an amino acid with highly similar properties. This amino acid position is conserved. In addition, this alteration is predicted to be tolerated by in silico analysis. Since supporting evidence is limited at this time, the clinical significance of this alteration remains unclear.

NM_001367624.2(ZNF469):c.920A>G (p.His307Arg)

Gene: ZNF469 (zinc finger protein 469; plus strand). Cytogenetic location: 16q24.2.
Variant type: single nucleotide variant.
Coding change: c.920A>G on transcript NM_001367624.2 (MANE Select); coding-DNA position 920, A replaced by G.
Protein change: p.His307Arg; replaces histidine 307 with arginine.
Molecular consequence: missense variant.
Genome position (GRCh38, 1-based): chr16:88,428,390, A>G. VCF-style: chr16-88428390-A-G. GRCh37 (hg19) VCF-style: chr16-88494798-A-G.
Other names: NM_001127464.1:c.920A>G; short protein forms H307R.
Identifiers: ClinVar variation 1766193 (VCV001766193.2), dbSNP rs2507573014, ClinGen allele CA397062237.